The following is an entry in ClinVar:

ClinVar aggregate classification (germline): Uncertain significance (1 of 4 stars; one submission).

Conditions:
Cardiovascular phenotype. Identifiers: MedGen CN230736.

Allele frequency attached by ClinVar (database versions not stated): gnomAD exomes below 0.00001.
gnomAD v4.1: 3 of 1,614,128 alleles (0.00019%); highest among the groups gnomAD compares: Non-Finnish European, 0.00025%; no homozygotes.

Submission:

Ambry Genetics
Classification: Uncertain significance for Cardiovascular phenotype. Last evaluated: 2023-06-09. Review status: criteria provided, single submitter. Criteria: Ambry Variant Classification Scheme 2023. Collection method: clinical testing. Allele origin: germline.
Comment: The p.E154K variant (also known as c.460G>A), located in coding exon 1 of the KCND3 gene, results from a G to A substitution at nucleotide position 460. The glutamic acid at codon 154 is replaced by lysine, an amino acid with similar properties. This amino acid position is conserved. In addition, this alteration is predicted to be deleterious by in silico analysis. Since supporting evidence is limited at this time, the clinical significance of this alteration remains unclear.

NM_001378969.1(KCND3):c.460G>A (p.Glu154Lys)

Gene: KCND3 (potassium voltage-gated channel subfamily D member 3; minus strand). Cytogenetic location: 1p13.2.
Variant type: single nucleotide variant.
Coding change: c.460G>A on transcript NM_001378969.1 (MANE Select); coding-DNA position 460, G replaced by A.
Protein change: p.Glu154Lys; replaces glutamic acid 154 with lysine.
Molecular consequence: missense variant.
Genome position (GRCh38, 1-based): chr1:111,982,267, C>T on the plus strand (G>A on the coding strand, the complement: KCND3 is on the minus strand). VCF-style: chr1-111982267-C-T. GRCh37 (hg19) VCF-style: chr1-112524889-C-T.
Other names: c.460G>A, p.Glu154Lys (NM_001378970.1, NM_004980.5, NM_172198.3); short protein forms E154K.
Identifiers: ClinVar variation 2562844 (VCV002562844.2), dbSNP rs2525705936, ClinGen allele CA341822091.